The following is an entry in ClinVar:

NM_007332.3(TRPA1):c.1233C>T (p.Asn411=)

Genes: MSC-AS1 (MSC antisense RNA 1; plus strand), TRPA1 (transient receptor potential cation channel subfamily A member 1; minus strand). Cytogenetic location: 8q21.11.
Variant type: single nucleotide variant.
Coding change: c.1233C>T on transcript NM_007332.3 (MANE Select); coding-DNA position 1233, C replaced by T.
Protein change: p.Asn411=; no amino-acid change (asparagine 411 retained).
Molecular consequence: synonymous variant. On other transcripts: non-coding transcript variant (2).
Genome position (GRCh38, 1-based): chr8:72,055,817, G>A on the plus strand (C>T on the coding strand, the complement: TRPA1 is on the minus strand). VCF-style: chr8-72055817-G-A. GRCh37 (hg19) VCF-style: chr8-72968052-G-A.
Identifiers: ClinVar variation 4083794 (VCV004083794.8).

ClinVar aggregate classification (germline): Likely benign (1 of 4 stars; one submission).

gnomAD v4.1: 621 of 1,613,330 alleles (0.038%); highest among the groups gnomAD compares: Non-Finnish European, 0.049%; 1 homozygote.

Submission:

CeGaT Center for Human Genetics Tuebingen
Classification: Likely benign. Last evaluated: 2025-10-01. Review status: criteria provided, single submitter. Criteria: CeGaT Center For Human Genetics Tuebingen Variant Classification Criteria Version 2. Collection method: clinical testing. Allele origin: germline. Affected: yes. Observed: 2 variant alleles.
Comment: TRPA1: BP4, BP7